The following is an entry in ClinVar:

ClinVar aggregate classification (germline): Uncertain significance (1 of 4 stars; one submission).

Conditions:
Mucopolysaccharidosis type 7 (MPS7). Also called: MPS VII; SLY SYNDROME; BETA-GLUCURONIDASE DEFICIENCY; GUSB DEFICIENCY. Identifiers: Orphanet 584, MedGen C0085132, MONDO:0009662, OMIM 253220.

Allele frequency attached by ClinVar (database versions not stated): gnomAD exomes below 0.00001.
gnomAD v4.1: 1 of 1,614,120 alleles (0.000062%); highest among the groups gnomAD compares: Non-Finnish European, 0.000085%; no homozygotes.

Submission:

Labcorp Genetics (formerly Invitae), Labcorp
Classification: Uncertain significance for Mucopolysaccharidosis type 7. Last evaluated: 2021-08-20. Review status: criteria provided, single submitter. Criteria: Invitae Variant Classification Sherloc (09022015). Collection method: clinical testing. Allele origin: germline.
Comment: This sequence change replaces alanine with valine at codon 453 of the GUSB protein (p.Ala453Val). The alanine residue is moderately conserved and there is a small physicochemical difference between alanine and valine. This variant is not present in population databases (ExAC no frequency). This variant has not been reported in the literature in individuals affected with GUSB-related conditions. Algorithms developed to predict the effect of missense changes on protein structure and function output the following: SIFT: "Tolerated"; PolyPhen-2: "Benign"; Align-GVGD: "Class C0". The valine amino acid residue is found in multiple mammalian species, which suggests that this missense change does not adversely affect protein function. In summary, the available evidence is currently insufficient to determine the role of this variant in disease. Therefore, it has been classified as a Variant of Uncertain Significance.

NM_000181.4(GUSB):c.1358C>T (p.Ala453Val)

Gene: GUSB (glucuronidase beta; minus strand). Cytogenetic location: 7q11.21.
Variant type: single nucleotide variant.
Coding change: c.1358C>T on transcript NM_000181.4 (MANE Select); coding-DNA position 1358, C replaced by T.
Protein change: p.Ala453Val; replaces alanine 453 with valine.
Molecular consequence: missense variant. On other transcripts: non-coding transcript variant (1).
Genome position (GRCh38, 1-based): chr7:65,974,328, G>A on the plus strand (C>T on the coding strand, the complement: GUSB is on the minus strand). VCF-style: chr7-65974328-G-A. GRCh37 (hg19) VCF-style: chr7-65439315-G-A.
Other names: c.920C>T, p.Ala307Val (NM_001284290.2); c.788C>T, p.Ala263Val (NM_001293104.2); c.701C>T, p.Ala234Val (NM_001293105.2); short protein forms A307V, A234V, A453V, A263V.
Identifiers: ClinVar variation 1411086 (VCV001411086.5), dbSNP rs912985278, ClinGen allele CA159907167.